The following is an entry in ClinVar:

ClinVar aggregate classification (germline): Pathogenic (1 of 4 stars; one submission).

Submission:

Labcorp Genetics (formerly Invitae), Labcorp
Classification: Pathogenic. Last evaluated: 2017-11-04. Review status: criteria provided, single submitter. Criteria: Invitae Variant Classification Sherloc (09022015). Collection method: clinical testing. Allele origin: germline.
Comment: For these reasons, this variant has been classified as Pathogenic. Loss-of-function variants in SHANK2 are known to be pathogenic (PMID: 20473310). This variant has not been reported in the literature in individuals with SHANK2-related disease. This variant is not present in population databases (ExAC no frequency). This sequence change creates a premature translational stop signal (p.Lys127Argfs*5) in the SHANK2 gene. It is expected to result in an absent or disrupted protein product.

Literature cited by the submitters: PubMed 20473310.

NM_012309.5(SHANK2):c.2142del (p.Lys715fs)

Gene: SHANK2 (SH3 and multiple ankyrin repeat domains 2; minus strand). Cytogenetic location: 11q13.4.
Variant type: Deletion.
Coding change: c.2142del on transcript NM_012309.5 (MANE Select); coding-DNA position 2142, one base deleted (T; older notation c.2142delT).
Protein change: p.Lys715fs; shifts the reading frame from lysine 715.
Molecular consequence: frameshift variant. On other transcripts: non-coding transcript variant (1).
Genome position (GRCh38, 1-based): chr11:70,502,851, A deleted on the plus strand (T on the coding strand, the reverse complement: SHANK2 is on the minus strand); the first of 2 consecutive A bases (chr11:70,502,851-70,502,852); deleting either gives the same sequence. VCF-style (leftmost placement, unchanged base first): chr11-70502850-TA-T. GRCh37 (hg19) VCF-style: chr11-70348955-TA-T.
Other names: c.1005del, p.Lys336fs (NM_001379226.1); c.378del, p.Lys127fs (NM_133266.5); short protein forms K127fs, K336fs, K715fs.
Identifiers: ClinVar variation 1074590 (VCV001074590.7), dbSNP rs2135828294, ClinGen allele CA2499221287.